The following is an entry in ClinVar:

NM_001605.3(AARS1):c.817-158CT[2]

Gene: AARS1 (alanyl-tRNA synthetase 1; minus strand). Cytogenetic location: 16q22.1.
Variant type: Microsatellite.
Coding change: c.817-158CT[2] on transcript NM_001605.3 (MANE Select); two copies in a row of the 2-base unit CT starting at c.817-158; the reference has three copies in a row; one copy, 2 bases deleted.
Molecular consequence: intron variant.
Genome position (GRCh38, 1-based): chr16:70,269,916-70,269,917, AG deleted on the plus strand (CT on the coding strand, the reverse complement: AARS1 is on the minus strand); deleting any 2 consecutive bases within chr16:70,269,916-70,269,922 gives the same sequence; the position shown is the placement nearest the transcript's 3' end. VCF-style (leftmost placement, unchanged base first): chr16-70269915-TAG-T. GRCh37 (hg19) VCF-style: chr16-70303818-TAG-T.
Identifiers: ClinVar variation 677696 (VCV000677696.1), dbSNP rs140639021, ClinGen allele CA283440298.

ClinVar aggregate classification (germline): Benign (1 of 4 stars; one submission).

Submission:

GeneDx
Classification: Benign. Last evaluated: 2018-06-16. Review status: criteria provided, single submitter. Criteria: GeneDx Variant Classification (06012015). Collection method: clinical testing. Allele origin: germline. Affected: yes.
Comment: This variant is considered likely benign or benign based on one or more of the following criteria: it is a conservative change, it occurs at a poorly conserved position in the protein, it is predicted to be benign by multiple in silico algorithms, and/or has population frequency not consistent with disease.